The following is an entry in ClinVar:

ClinVar aggregate classification (germline): Uncertain significance. Review status: criteria provided, multiple submitters, no conflicts (2 of 4 stars). 2 submissions from 2 submitters: Uncertain significance (2). Last evaluated 2025-01-07.

Conditions:
Palmoplantar keratoderma-esophageal carcinoma syndrome (TOC). Also called: KERATOSIS PALMARIS ET PLANTARIS WITH ESOPHAGEAL CANCER; PALMOPLANTAR KERATODERMA WITH ESOPHAGEAL CANCER; Tylosis with Esophageal Cancer. Identifiers: Orphanet 2198, MedGen C1835664, MONDO:0007856, OMIM 148500.

Allele frequency attached by ClinVar (database versions not stated): ExAC below 0.00001; gnomAD 0.00001; TOPMed 0.00002; gnomAD exomes 0.00003.
gnomAD v4.1: 55 of 1,571,494 alleles (0.0035%); highest among the groups gnomAD compares: Non-Finnish European, 0.0047%; no homozygotes.

Submissions (2):

Labcorp Genetics (formerly Invitae), Labcorp
Classification: Uncertain significance. Last evaluated: 2025-01-07. Review status: criteria provided, single submitter. Criteria: Invitae Variant Classification Sherloc (09022015). Collection method: clinical testing. Allele origin: germline.
Comment: This sequence change replaces leucine, which is neutral and non-polar, with phenylalanine, which is neutral and non-polar, at codon 750 of the RHBDF2 protein (p.Leu750Phe). This variant is present in population databases (rs774772768, gnomAD 0.008%). This variant has not been reported in the literature in individuals affected with RHBDF2-related conditions. ClinVar contains an entry for this variant (Variation ID: 325423). An algorithm developed to predict the effect of missense changes on protein structure and function outputs the following: PolyPhen-2: "Benign". The phenylalanine amino acid residue is found in multiple mammalian species, which suggests that this missense change does not adversely affect protein function. In summary, the available evidence is currently insufficient to determine the role of this variant in disease. Therefore, it has been classified as a Variant of Uncertain Significance.

Illumina Laboratory Services, Illumina
Classification: Uncertain significance for Palmoplantar keratoderma-esophageal carcinoma syndrome. Last evaluated: 2018-01-12. Review status: criteria provided, single submitter. Criteria: ICSL Variant Classification Criteria 13 December 2019. Collection method: clinical testing. Allele origin: germline.

NM_001005498.4(RHBDF2):c.2161C>T (p.Leu721Phe)

Gene: RHBDF2 (rhomboid 5 homolog 2; minus strand). Cytogenetic location: 17q25.1.
Variant type: single nucleotide variant.
Coding change: c.2161C>T on transcript NM_001005498.4 (MANE Select); coding-DNA position 2161, C replaced by T.
Protein change: p.Leu721Phe; replaces leucine 721 with phenylalanine.
Molecular consequence: missense variant. On other transcripts: non-coding transcript variant (3).
Genome position (GRCh38, 1-based): chr17:76,471,956, G>A on the plus strand (C>T on the coding strand, the complement: RHBDF2 is on the minus strand). VCF-style: chr17-76471956-G-A. GRCh37 (hg19) VCF-style: chr17-74468038-G-A.
Other names: c.2161C>T, p.Leu721Phe (NM_001376228.1, NM_001376229.1, NM_001376230.1); c.2248C>T, p.Leu750Phe (NM_024599.5); short protein forms L750F, L721F.
Identifiers: ClinVar variation 325423 (VCV000325423.7), dbSNP rs774772768, ClinGen allele CA8786716.
Genomic context (GRCh38, chr17:76,471,956, plus strand): 5'-TGTCGATCCAGGGCAGGAGGCCACAGATGAACAGGAAGAGCACGATGGCCGAGAGGTTGA[G>A]GAAGGCCTTCCAGGGCCTCTCCAGCAGCGGCCAGCTCTGGAAGAGCTCCACGAAGAGGCA-3'
Protein context (NP_001005498.2, residues 711-731): PLLERPWKAF[Leu721Phe]NLSAIVLFLF